The following is an entry in ClinVar:

ClinVar aggregate classification (germline): Likely pathogenic (1 of 4 stars; one submission).

Allele frequency attached by ClinVar (database versions not stated): ExAC 0.00001; gnomAD exomes 0.00002; gnomAD 0.00003 and 0.00004; TOPMed 0.00012.
gnomAD v4.1: 29 of 1,610,366 alleles (0.0018%); highest among the groups gnomAD compares: Admixed American, 0.023%; no homozygotes.

Submission:

Labcorp Genetics (formerly Invitae), Labcorp
Classification: Likely pathogenic. Last evaluated: 2019-12-26. Review status: criteria provided, single submitter. Criteria: Invitae Variant Classification Sherloc (09022015). Collection method: clinical testing. Allele origin: germline.
Comment: This sequence change affects a donor splice site in intron 5 of the FDPS gene. It is expected to disrupt RNA splicing and likely results in an absent or disrupted protein product. This variant is present in population databases (rs772984674, ExAC 0.009%). This variant has not been reported in the literature in individuals with FDPS-related conditions. Donor and acceptor splice site variants typically lead to a loss of protein function (PMID: 16199547), and loss-of-function variants in FDPS are known to be pathogenic (PMID: 26202976). In summary, the currently available evidence indicates that the variant is pathogenic, but additional data are needed to prove that conclusively. Therefore, this variant has been classified as Likely Pathogenic.

Literature cited by the submitters: PubMed 26202976.

NM_002004.4(FDPS):c.684+2T>G

Genes: FDPS (farnesyl diphosphate synthase; plus strand), RUSC1-AS1 (RUSC1 antisense RNA 1; minus strand). Cytogenetic location: 1q22.
Variant type: single nucleotide variant.
Coding change: c.684+2T>G on transcript NM_002004.4 (MANE Select); the canonical splice donor site of the intron after coding-DNA position 684, T replaced by G.
Molecular consequence: splice donor variant. On other transcripts: non-coding transcript variant (2).
Genome position (GRCh38, 1-based): chr1:155,318,293, T>G. VCF-style: chr1-155318293-T-G. GRCh37 (hg19) VCF-style: chr1-155288084-T-G.
Other names: c.684+2T>G (NM_001135821.2); c.486+2T>G (NM_001378425.1, NM_001378424.1, NM_001242824.2 and 1 more transcripts); c.171+2T>G (NM_001242825.2).
Identifiers: ClinVar variation 835300 (VCV000835300.1), dbSNP rs772984674, ClinGen allele CA1144708.
Genomic context (GRCh38, chr1:155,318,293, plus strand): 5'-TGAAGCTCTATTGCCGGGAGCAGCCCTATTACCTGAACCTGATCGAGCTCTTCCTGCAGG[T>G]GTATTGCAGACAGGGCCCGATGCCCAGAGGGTGCCCATGGTAGCCTTGGCCTCTATAGGA-3'